The following is an entry in ClinVar:

ClinVar aggregate classification (germline): Likely pathogenic (1 of 4 stars; one submission).

Conditions:
Usher syndrome type 2A. Also called: RETINAL DISEASE IN USHER SYNDROME TYPE IIA, MODIFIER OF; USHER SYNDROME, TYPE IIA. Identifiers: Orphanet 231178, Orphanet 886, MedGen C1848634, MONDO:0010169, OMIM 276901.

Submission:

Natera, Inc.
Classification: Likely pathogenic for Usher syndrome type 2A. Last evaluated: 2025-02-26. Review status: criteria provided, single submitter. Criteria: Natera Variant Classification Schema (03/2026). Collection method: clinical testing. Allele origin: germline.
Comment: The c.143_144del variant in USH2A is a frameshift variant predicted to shift the reading frame beginning at codon 48 and leads to a stop codon 26 codons downstream. This variant is expected to result in nonsense mediated decay, truncation, or a dysfunctional protein product. This variant is rare in the general population with a frequency below the threshold expected for the associated phenotype(s). Given the available evidence, this variant is classified as Likely Pathogenic.

NM_206933.4(USH2A):c.143_144del (p.Lys48fs)

Gene: USH2A (usherin; minus strand). Cytogenetic location: 1q41.
Variant type: Deletion.
Coding change: c.143_144del on transcript NM_206933.4 (MANE Select); coding-DNA positions 143 to 144, 2 bases deleted (AA; older notation c.143_144delAA).
Protein change: p.Lys48fs; shifts the reading frame from lysine 48.
Molecular consequence: frameshift variant.
Genome position (GRCh38, 1-based): chr1:216,422,193-216,422,194, TT deleted on the plus strand (AA on the coding strand, the reverse complement: USH2A is on the minus strand); deleting any 2 consecutive bases within chr1:216,422,193-216,422,195 gives the same sequence; the c. name uses the placement nearest the transcript's 3' end. VCF-style (leftmost placement, unchanged base first): chr1-216422192-CTT-C. GRCh37 (hg19) VCF-style: chr1-216595534-CTT-C.
Other names: c.143_144del, p.Lys48fs (NM_007123.6); short protein forms K48fs.
Identifiers: ClinVar variation 4062767 (VCV004062767.2).